The following is an entry in ClinVar:

ClinVar aggregate classification (germline): Uncertain significance. Review status: criteria provided, multiple submitters, no conflicts (2 of 4 stars). 3 submissions from 3 submitters: Uncertain significance (3). Last evaluated 2024-03-19.

Conditions:
Osteogenesis imperfecta type 8 (OI8). Identifiers: MedGen C1970458, MONDO:0012581, OMIM 610915.
Inborn genetic diseases. Identifiers: MedGen C0950123, MeSH D030342.

Allele frequency attached by ClinVar (database versions not stated): gnomAD 0.00003; TOPMed 0.00003; ESP Exome Variant Server 0.00015.
gnomAD v4.1: 26 of 1,614,014 alleles (0.0016%); highest among the groups gnomAD compares: African/African-American, 0.0067%; no homozygotes.

Submissions (4):

Ambry Genetics
Classification: Uncertain significance for Inborn genetic diseases. Last evaluated: 2024-03-19. Review status: criteria provided, single submitter. Criteria: Ambry Variant Classification Scheme 2023. Collection method: clinical testing. Allele origin: germline.

Genome-Nilou Lab
Classification: Uncertain significance for Osteogenesis imperfecta type 8. Last evaluated: 2023-04-11. Review status: criteria provided, single submitter. Criteria: ACMG Guidelines, 2015. Collection method: clinical testing. Allele origin: germline. Affected: no.

Labcorp Genetics (formerly Invitae), Labcorp
Classification: Uncertain significance for Osteogenesis imperfecta type 8. Last evaluated: 2022-08-01. Review status: criteria provided, single submitter. Criteria: Invitae Variant Classification Sherloc (09022015). Collection method: clinical testing. Allele origin: germline.
Comment: This sequence change replaces arginine, which is basic and polar, with tryptophan, which is neutral and slightly polar, at codon 471 of the P3H1 protein (p.Arg471Trp). This variant is present in population databases (rs147230023, gnomAD 0.004%). This variant has not been reported in the literature in individuals affected with P3H1-related conditions. ClinVar contains an entry for this variant (Variation ID: 536808). Algorithms developed to predict the effect of missense changes on protein structure and function are either unavailable or do not agree on the potential impact of this missense change (SIFT: "Deleterious"; PolyPhen-2: "Probably Damaging"; Align-GVGD: "Class C0"). Algorithms developed to predict the effect of sequence changes on RNA splicing suggest that this variant may create or strengthen a splice site. In summary, the available evidence is currently insufficient to determine the role of this variant in disease. Therefore, it has been classified as a Variant of Uncertain Significance.

Dr. Peter K. Rogan Lab, Western University
No classification provided (evidence only). Condition: Malignant tumor of esophagus. Review status: no classification provided. Collection method: in vitro. Allele origin: not applicable. Functional consequence: retained intron. Not counted in ClinVar's aggregate classification.

NM_022356.4(P3H1):c.1411C>T (p.Arg471Trp)

Gene: P3H1 (prolyl 3-hydroxylase 1; minus strand). Cytogenetic location: 1p34.2.
Variant type: single nucleotide variant.
Coding change: c.1411C>T on transcript NM_022356.4 (MANE Select); coding-DNA position 1411, C replaced by T.
Protein change: p.Arg471Trp; replaces arginine 471 with tryptophan.
Molecular consequence: missense variant.
Genome position (GRCh38, 1-based): chr1:42,752,599, G>A on the plus strand (C>T on the coding strand, the complement: P3H1 is on the minus strand). VCF-style: chr1-42752599-G-A. GRCh37 (hg19) VCF-style: chr1-43218270-G-A.
Other names: c.1411C>T, p.Arg471Trp (NM_001146289.2, NM_001243246.2); short protein forms R471W.
Identifiers: ClinVar variation 536808 (VCV000536808.8), dbSNP rs147230023, ClinGen allele CA801857.